The following is an entry in ClinVar:

NM_005359.6(SMAD4):c.181A>C (p.Ile61Leu)

Gene: SMAD4 (SMAD family member 4; plus strand). Cytogenetic location: 18q21.2.
Variant type: single nucleotide variant.
Coding change: c.181A>C on transcript NM_005359.6 (MANE Select); coding-DNA position 181, A replaced by C.
Protein change: p.Ile61Leu; replaces isoleucine 61 with leucine.
Molecular consequence: missense variant.
Genome position (GRCh38, 1-based): chr18:51,047,227, A>C. VCF-style: chr18-51047227-A-C. GRCh37 (hg19) VCF-style: chr18-48573597-A-C.
Other names: short protein forms I61L.
Identifiers: ClinVar variation 484812 (VCV000484812.14), dbSNP rs1064794204, ClinGen allele CA402457959.

ClinVar aggregate classification (germline): Uncertain significance. Review status: criteria provided, multiple submitters, no conflicts (2 of 4 stars). 2 submissions from 2 submitters: Uncertain significance (2). Last evaluated 2017-08-16.

Conditions:
Familial thoracic aortic aneurysm and aortic dissection (TAAD). Also called: Thoracic aortic aneurysms and dissections. Identifiers: Orphanet 91387, MedGen C4707243, MONDO:0019625.
Hereditary cancer-predisposing syndrome. Also called: Hereditary neoplastic syndrome; Neoplastic Syndromes, Hereditary; Tumor predisposition; Hereditary Cancer Syndrome. Identifiers: Orphanet 140162, MedGen C0027672, MeSH D009386, MONDO:0015356.
Juvenile polyposis syndrome (JPS). Identifiers: Orphanet 2929, MedGen C0345893, MONDO:0017380, OMIM 174900.

Submissions (2):

Labcorp Genetics (formerly Invitae), Labcorp
Classification: Uncertain significance for Juvenile polyposis syndrome. Last evaluated: 2017-08-16. Review status: criteria provided, single submitter. Criteria: Invitae Variant Classification Sherloc (09022015). Collection method: clinical testing. Allele origin: germline.
Comment: This variant is not present in population databases (ExAC no frequency). This sequence change replaces isoleucine with leucine at codon 61 of the SMAD4 protein (p.Ile61Leu). The isoleucine residue is highly conserved and there is a small physicochemical difference between isoleucine and leucine. This variant has not been reported in the literature in individuals with SMAD4-related disease. In summary, the available evidence is currently insufficient to determine the role of this variant in disease. Therefore, it has been classified as a Variant of Uncertain Significance. Algorithms developed to predict the effect of missense changes on protein structure and function (SIFT, PolyPhen-2, Align-GVGD) all suggest that this variant is likely to be tolerated, but these predictions have not been confirmed by published functional studies and their clinical significance is uncertain.

Ambry Genetics
Classification: Uncertain significance for Hereditary cancer-predisposing syndrome; Familial thoracic aortic aneurysm and aortic dissection. Last evaluated: 2016-09-26. Review status: criteria provided, single submitter. Criteria: Ambry Variant Classification Scheme 2023. Collection method: clinical testing. Allele origin: germline.
Comment: The p.I61L variant (also known as c.181A>C), located in coding exon 1 of the SMAD4 gene, results from an A to C substitution at nucleotide position 181. The isoleucine at codon 61 is replaced by leucine, an amino acid with highly similar properties. This variant was not reported in population based cohorts in the following databases: Database of Single Nucleotide Polymorphisms (dbSNP), NHLBI Exome Sequencing Project (ESP), and 1000 Genomes Project. In the ESP, this variant was not observed in 6503 samples (13006 alleles) with coverage at this position. To date, this alteration has been detected with an allele frequency of approximately 0.001% (greater than 85000 alleles tested) in our clinical cohort. This amino acid position is highly conserved in available vertebrate species. In addition, the in silico prediction for this alteration is inconclusive. Since supporting evidence is limited at this time, the clinical significance of this alteration remains unclear.